The following is an entry in ClinVar:

NM_017696.3(MCM9):c.2726A>G (p.Asn909Ser)

Gene: MCM9 (minichromosome maintenance 9 homologous recombination repair factor; minus strand). Cytogenetic location: 6q22.31.
Variant type: single nucleotide variant.
Coding change: c.2726A>G on transcript NM_017696.3 (MANE Select); coding-DNA position 2726, A replaced by G.
Protein change: p.Asn909Ser; replaces asparagine 909 with serine.
Molecular consequence: missense variant. On other transcripts: 3 prime UTR variant (4), non-coding transcript variant (1).
Genome position (GRCh38, 1-based): chr6:118,815,530, T>C on the plus strand (A>G on the coding strand, the complement: MCM9 is on the minus strand). VCF-style: chr6-118815530-T-C. GRCh37 (hg19) VCF-style: chr6-119136693-T-C.
Other names: c.2726A>G, p.Asn909Ser (NM_001378356.1, NM_001378357.1); c.*633A>G (NM_001378359.1, NM_001378360.1, NM_001378366.1 and 1 more transcripts); c.2522A>G, p.Asn841Ser (NM_001378364.1); short protein forms N841S, N909S.
Identifiers: ClinVar variation 4075610 (VCV004075610.1).

ClinVar aggregate classification (germline): Uncertain significance (1 of 4 stars; one submission).

gnomAD v4.1: 1 of 1,548,604 alleles (0.000065%); highest among the groups gnomAD compares: Admixed American, 0.002%; no homozygotes.

Submission:

GeneDx
Classification: Uncertain significance. Last evaluated: 2025-02-16. Review status: criteria provided, single submitter. Criteria: GeneDx Variant Classification Process June 2021. Collection method: clinical testing. Allele origin: germline. Affected: yes.
Comment: Not observed at significant frequency in large population cohorts (gnomAD); In silico analysis indicates that this missense variant does not alter protein structure/function; Has not been previously published as pathogenic or benign to our knowledge